The following is an entry in ClinVar:

NM_005612.5(REST):c.2330_2377del (p.Val777_Pro792del)

Gene: REST (RE1 silencing transcription factor; plus strand). Cytogenetic location: 4q12.
Variant type: Deletion.
Coding change: c.2330_2377del on transcript NM_005612.5 (MANE Select); coding-DNA positions 2330 to 2377, 48 bases deleted.
Protein change: p.Val777_Pro792del.
Molecular consequence: inframe deletion. On other transcripts: inframe indel (2).
Genome position (GRCh38, 1-based): chr4:56,931,188-56,931,235, 48 bases deleted; deleting any 48 consecutive bases within chr4:56,931,175-56,931,235 gives the same sequence; the c. name uses the placement nearest the transcript's 3' end. GRCh37 (hg19): chr4:57,797,354-57,797,401.
Other names: c.2330_2377del48, p.Val777_Pro792del (NM_001193508.2, NM_001363453.3).
Identifiers: ClinVar variation 1929450 (VCV001929450.5), dbSNP rs1347300732, ClinGen allele CA439636653.

ClinVar aggregate classification (germline): Uncertain significance (1 of 4 stars; one submission).

Submission:

Labcorp Genetics (formerly Invitae), Labcorp
Classification: Uncertain significance. Last evaluated: 2025-10-14. Review status: criteria provided, single submitter. Criteria: Invitae Variant Classification Sherloc (09022015). Collection method: clinical testing. Allele origin: germline.
Comment: This variant, c.2330_2377del, results in the deletion of 16 amino acid(s) of the REST protein (p.Val777_Pro792del), but otherwise preserves the integrity of the reading frame. This variant is present in population databases (no rsID available, gnomAD 0.0009%). This variant has not been reported in the literature in individuals affected with REST-related conditions. ClinVar contains an entry for this variant (Variation ID: 1929450). In summary, the available evidence is currently insufficient to determine the role of this variant in disease. Therefore, it has been classified as a Variant of Uncertain Significance.